The following is an entry in ClinVar:

ClinVar aggregate classification (germline): Pathogenic. Review status: criteria provided, multiple submitters, no conflicts (2 of 4 stars). 2 submissions from 2 submitters: Pathogenic (2). Last evaluated 2025-06-30.

Conditions:
Microcephaly, normal intelligence and immunodeficiency (NBS). Also called: IMMUNODEFICIENCY, MICROCEPHALY, AND CHROMOSOMAL INSTABILITY; SEEMANOVA SYNDROME II; Nijmegen breakage syndrome; Microcephaly with normal intelligence immunodeficiency and lymphoreticular malignancies; Nonsyndromal microcephaly autosomal recessive with normal intelligence; Seemanova syndrome 2. Identifiers: Orphanet 647, MedGen C0398791, MONDO:0009623, OMIM 251260.

Submissions (2):

Myriad Genetics, Inc.
Classification: Pathogenic for Microcephaly, normal intelligence and immunodeficiency. Last evaluated: 2025-06-30. Review status: criteria provided, single submitter. Criteria: Myriad Autosomal Dominant, Autosomal Recessive and X-Linked Classification Criteria (2023). Collection method: clinical testing. Allele origin: unknown.
Comment: NM_002485.4(NBN):c.830delA(N277Tfs*5) is expected to be pathogenic in the context of Nijmegen breakage syndrome. This variant is predicted to lead to an abnormal or absent protein product due to the creation of a premature termination codon in NBN, a gene where loss-of-function variants are known to be pathogenic. Please note: this variant was assessed in the context of healthy population screening.

Labcorp Genetics (formerly Invitae), Labcorp
Classification: Pathogenic for Microcephaly, normal intelligence and immunodeficiency. Last evaluated: 2023-02-22. Review status: criteria provided, single submitter. Criteria: Invitae Variant Classification Sherloc (09022015). Collection method: clinical testing. Allele origin: germline.
Comment: For these reasons, this variant has been classified as Pathogenic. This variant has not been reported in the literature in individuals affected with NBN-related conditions. This variant is not present in population databases (gnomAD no frequency). This sequence change creates a premature translational stop signal (p.Asn277Thrfs*5) in the NBN gene. It is expected to result in an absent or disrupted protein product. Loss-of-function variants in NBN are known to be pathogenic (PMID: 9590180, 16415040).

Literature cited by the submitters: PubMed 9590180 (cited by Labcorp Genetics (formerly Invitae), Labcorp); PubMed 16415040 (cited by Labcorp Genetics (formerly Invitae), Labcorp).

NM_002485.5(NBN):c.830del (p.Asn277fs)

Gene: NBN (nibrin; minus strand). Cytogenetic location: 8q21.3.
Variant type: Deletion.
Coding change: c.830del on transcript NM_002485.5 (MANE Select); coding-DNA position 830, one base deleted (A; older notation c.830delA).
Protein change: p.Asn277fs; shifts the reading frame from asparagine 277.
Molecular consequence: frameshift variant.
Genome position (GRCh38, 1-based): chr8:89,970,430, T deleted on the plus strand (A on the coding strand, the reverse complement: NBN is on the minus strand); the first of 3 consecutive T bases (chr8:89,970,430-89,970,432); deleting any one gives the same sequence. VCF-style (leftmost placement, unchanged base first): chr8-89970429-GT-G. GRCh37 (hg19) VCF-style: chr8-90982657-GT-G.
Other names: c.584del, p.Asn195fs (NM_001024688.3); short protein forms N195fs, N277fs.
Identifiers: ClinVar variation 2816715 (VCV002816715.4), dbSNP rs2488309656, ClinGen allele CA2739265775.